The following is an entry in ClinVar:

ClinVar aggregate classification (germline): Likely pathogenic (1 of 4 stars; one submission).

Conditions:
Cardiovascular phenotype. Identifiers: MedGen CN230736.

Submission:

Ambry Genetics
Classification: Likely pathogenic for Cardiovascular phenotype. Last evaluated: 2026-02-04. Review status: criteria provided, single submitter. Criteria: Ambry Variant Classification Scheme 2023. Collection method: clinical testing. Allele origin: germline.
Comment: The p.C5364* variant (also known as c.16092T>A), located in coding exon 62 of the TTN gene, results from a T to A substitution at nucleotide position 16092. This changes the amino acid from a cysteine to a stop codon within coding exon 62. This exon is located in the I-band region of the N2-B isoform of the titin protein and is constitutively expressed in TTN transcripts (percent spliced in or PSI 100%). This variant is expected to result in loss of function by premature protein truncation or nonsense-mediated mRNA decay. While truncating variants in TTN are present in 1-3% of the general population, truncating variants in the A-band are the most common cause of dilated cardiomyopathy (Herman DS et al. N. Engl. J. Med., 2012 Feb;366:619-28; Roberts AM et al. Sci Transl Med, 2015 Jan;7:270ra6). TTN truncating variants encoded in constitutive exons (PSI >90%) have been found to be significantly associated with DCM regardless of their position in titin (Schafer S et al. Nat. Genet., 2017 01;49:46-53; Akhtar MM et al. Circ Heart Fail, 2020 Oct;13:e006832; Massier M et al. Clin Genet, 2025 Jan). This variant is considered to be rare based on population cohorts in the Genome Aggregation Database (gnomAD). Based on the majority of available evidence to date, this variant is likely to be pathogenic.

NM_001267550.2(TTN):c.43287T>A (p.Cys14429Ter)

Gene: TTN (titin; minus strand). Cytogenetic location: 2q31.2.
Variant type: single nucleotide variant.
Coding change: c.43287T>A on transcript NM_001267550.2 (MANE Select); coding-DNA position 43287, T replaced by A.
Protein change: p.Cys14429Ter; replaces cysteine 14429 with a stop codon.
Molecular consequence: nonsense.
Genome position (GRCh38, 1-based): chr2:178,632,719, A>T on the plus strand (T>A on the coding strand, the complement: TTN is on the minus strand). VCF-style: chr2-178632719-A-T. GRCh37 (hg19) VCF-style: chr2-179497446-A-T.
Other names: c.38364T>A, p.Cys12788Ter (NM_001256850.1); c.16092T>A, p.Cys5364Ter (NM_003319.4); c.35583T>A, p.Cys11861Ter (NM_133378.4); c.16467T>A, p.Cys5489Ter (NM_133432.3); c.16668T>A, p.Cys5556Ter (NM_133437.4); short protein forms C14429*, C5364*, C5489*, C5556*, C12788*, C11861*.
Identifiers: ClinVar variation 4824747 (VCV004824747.1).